The following is an entry in ClinVar:

ClinVar aggregate classification (germline): Pathogenic/Likely pathogenic. Review status: criteria provided, multiple submitters, no conflicts (2 of 4 stars). 6 submissions from 6 submitters: Pathogenic (4); Likely pathogenic (1). 1 of the submissions does not count toward it. Last evaluated 2025-11-10.

Conditions:
Mitochondrial DNA depletion syndrome, encephalomyopathic form with methylmalonic aciduria (MTDPS5). Also called: MITOCHONDRIAL DNA DEPLETION SYNDROME, ENCEPHALOMYOPATHIC FORM, WITH OR WITHOUT METHYLMALONIC ACIDURIA, AUTOSOMAL RECESSIVE, SUCLA2-RELATED; Mitochondrial DNA depletion syndrome 5 (encephalomyopathic with or without methylmalonic aciduria); Mitochondrial encephalomyopathy aminoacidopathy; SUCLA2-Related Mitochondrial DNA Depletion Syndrome, Encephalomyopathic Form with Methylmalonic Aciduria. Identifiers: Orphanet 1933, MedGen C5980207, MONDO:0012791, OMIM 612073.

Allele frequency attached by ClinVar (database versions not stated): gnomAD 0.00001 and 0.00002; ExAC 0.00002; TOPMed 0.00002; gnomAD exomes 0.00001 and 0.00003.
gnomAD v4.1: 16 of 1,613,612 alleles (0.00099%); highest among the groups gnomAD compares: Admixed American, 0.0083%; no homozygotes.

Submissions (6):

3billion
Classification: Pathogenic for Mitochondrial DNA depletion syndrome, encephalomyopathic form with methylmalonic aciduria. Last evaluated: 2025-11-10. Review status: criteria provided, single submitter. Criteria: ACMG Guidelines, 2015. Collection method: clinical testing. Allele origin: germline. Affected: yes.
Comment: The variant is observed at an extremely low frequency in the gnomAD v4.1.0 dataset (total allele frequency: <0.001%). Predicted Consequence/Location: Missense variant In silico tool predictions suggest damaging effect of the variant on gene or gene product [REVEL: 0.84 (>=0.6, sensitivity 0.68 and specificity 0.92); 3Cnet: 0.99 (> 0.75, sensitivity 0.96 and precision 0.92)]. The same nucleotide change resulting in the same amino acid change has been previously reported as pathogenic/likely pathogenic with strong evidence (ClinVar ID: VCV000005978 /PMID: 17301081). A different missense change at the same codon (p.Arg284His) has been reported to be associated with SUCLA2-related disorder (PMID: 30818899). Therefore, this variant is classified as Pathogenic according to the recommendation of ACMG/AMP guideline.

GeneDx
Classification: Likely pathogenic. Last evaluated: 2025-06-11. Review status: criteria provided, single submitter. Criteria: GeneDx Variant Classification Process June 2021. Collection method: clinical testing. Allele origin: germline. Affected: yes.
Comment: In silico analysis supports that this missense variant has a deleterious effect on protein structure/function; Not observed at significant frequency in large population cohorts (gnomAD); This variant is associated with the following publications: (PMID: 31589614, 17301081, 32718099, 30315573, 34440436, 28749033, 39862868, 39500468)

Women's Health and Genetics/Laboratory Corporation of America, LabCorp
Classification: Pathogenic for Mitochondrial DNA depletion syndrome, encephalomyopathic form with methylmalonic aciduria. Last evaluated: 2024-07-10. Review status: criteria provided, single submitter. Criteria: LabCorp Variant Classification Summary - May 2015. Collection method: clinical testing. Allele origin: germline.
Comment: Variant summary: SUCLA2 c.850C>T (p.Arg284Cys) results in a non-conservative amino acid change located in the ATP-grasp fold domain (IPR011761) of the encoded protein sequence. Four of five in-silico tools predict a damaging effect of the variant on protein function. The variant allele was found at a frequency of 3.2e-05 in 250822 control chromosomes (gnomAD). c.850C>T has been reported in the literature in multiple individuals affected with features of Mitochondrial DNA Depletion Syndrome, Encephalomyopathic Form With Methylmalonic Aciduria (e.g. Carrozzo_2007, de Castro_2020). These data indicate that the variant is very likely to be associated with disease. The following publications have been ascertained in the context of this evaluation (PMID: 17301081, 32718099). ClinVar contains an entry for this variant (Variation ID: 5978). Based on the evidence outlined above, the variant was classified as pathogenic.

Labcorp Genetics (formerly Invitae), Labcorp
Classification: Pathogenic for Mitochondrial DNA depletion syndrome, encephalomyopathic form with methylmalonic aciduria. Last evaluated: 2023-12-03. Review status: criteria provided, single submitter. Criteria: Invitae Variant Classification Sherloc (09022015). Collection method: clinical testing. Allele origin: germline.
Comment: This sequence change replaces arginine, which is basic and polar, with cysteine, which is neutral and slightly polar, at codon 284 of the SUCLA2 protein (p.Arg284Cys). This variant is present in population databases (rs121908538, gnomAD 0.01%). This missense change has been observed in individuals with mitochondrial DNA depletion syndrome (PMID: 17301081, 28749033, 30315573, 32718099). ClinVar contains an entry for this variant (Variation ID: 5978). Advanced modeling of protein sequence and biophysical properties (such as structural, functional, and spatial information, amino acid conservation, physicochemical variation, residue mobility, and thermodynamic stability) performed at Invitae indicates that this missense variant is expected to disrupt SUCLA2 protein function with a positive predictive value of 80%. Studies have shown that this missense change alters SUCLA2 gene expression (PMID: 17301081). Algorithms developed to predict the effect of sequence changes on RNA splicing suggest that this variant may create or strengthen a splice site. For these reasons, this variant has been classified as Pathogenic.

Equipe Genetique des Anomalies du Developpement, Université de Bourgogne
Classification: Pathogenic for Mitochondrial DNA depletion syndrome, encephalomyopathic form with methylmalonic aciduria. Last evaluated: 2023-01-24. Review status: criteria provided, single submitter. Criteria: ACMG Guidelines, 2015. Collection method: clinical testing. Allele origin: biparental. Inheritance: Autosomal recessive inheritance. Affected: yes.

OMIM
Classification: Pathogenic for MITOCHONDRIAL DNA DEPLETION SYNDROME 5 (ENCEPHALOMYOPATHIC TYPE WITH METHYLMALONIC ACIDURIA). Last evaluated: 2007-03-01. Review status: no assertion criteria provided. Collection method: literature only. Allele origin: germline. Not counted in ClinVar's aggregate classification.

Literature cited by the submitters: PubMed 17301081 (cited by 4 submitters); PubMed 30818899 (cited by 3billion); PubMed 32718099 (cited by Women's Health and Genetics/Laboratory Corporation of America, LabCorp and Labcorp Genetics (formerly Invitae), Labcorp); PubMed 28749033 (cited by Labcorp Genetics (formerly Invitae), Labcorp); PubMed 30315573 (cited by Labcorp Genetics (formerly Invitae), Labcorp).

NM_003850.3(SUCLA2):c.850C>T (p.Arg284Cys)

Gene: SUCLA2 (succinate-CoA ligase ADP-forming subunit beta; minus strand). Cytogenetic location: 13q14.2.
Variant type: single nucleotide variant.
Coding change: c.850C>T on transcript NM_003850.3 (MANE Select); coding-DNA position 850, C replaced by T.
Protein change: p.Arg284Cys; replaces arginine 284 with cysteine.
Molecular consequence: missense variant.
Genome position (GRCh38, 1-based): chr13:47,954,510, G>A on the plus strand (C>T on the coding strand, the complement: SUCLA2 is on the minus strand). VCF-style: chr13-47954510-G-A. GRCh37 (hg19) VCF-style: chr13-48528645-G-A.
Other names: short protein forms R284C.
Identifiers: ClinVar variation 5978 (VCV000005978.12), dbSNP rs121908538, ClinGen allele CA253672.